The following is an entry in ClinVar:

NM_152703.5(SAMD9L):c.2974A>C (p.Ile992Leu)

Gene: SAMD9L (sterile alpha motif domain containing 9 like; minus strand). Cytogenetic location: 7q21.2.
Variant type: single nucleotide variant.
Coding change: c.2974A>C on transcript NM_152703.5 (MANE Select); coding-DNA position 2974, A replaced by C.
Protein change: p.Ile992Leu; replaces isoleucine 992 with leucine.
Molecular consequence: missense variant.
Genome position (GRCh38, 1-based): chr7:93,132,998, T>G on the plus strand (A>C on the coding strand, the complement: SAMD9L is on the minus strand). VCF-style: chr7-93132998-T-G. GRCh37 (hg19) VCF-style: chr7-92762311-T-G.
Other names: c.2974A>C, p.Ile992Leu (NM_001303496.3, NM_001303497.3, NM_001303498.3 and 5 more transcripts); short protein forms I992L.
Identifiers: ClinVar variation 4743390 (VCV004743390.1).

ClinVar aggregate classification (germline): Uncertain significance (1 of 4 stars; one submission).

Submission:

Labcorp Genetics (formerly Invitae), Labcorp
Classification: Uncertain significance. Last evaluated: 2025-03-10. Review status: criteria provided, single submitter. Criteria: Invitae Variant Classification Sherloc (09022015). Collection method: clinical testing. Allele origin: germline.
Comment: This sequence change replaces isoleucine, which is neutral and non-polar, with leucine, which is neutral and non-polar, at codon 992 of the SAMD9L protein (p.Ile992Leu). This variant is not present in population databases (gnomAD no frequency). This variant has not been reported in the literature in individuals affected with SAMD9L-related conditions. Invitae Evidence Modeling of protein sequence and biophysical properties (such as structural, functional, and spatial information, amino acid conservation, physicochemical variation, residue mobility, and thermodynamic stability) indicates that this missense variant is not expected to disrupt SAMD9L protein function with a negative predictive value of 80%. In summary, the available evidence is currently insufficient to determine the role of this variant in disease. Therefore, it has been classified as a Variant of Uncertain Significance.